The following is an entry in ClinVar:

ClinVar aggregate classification (germline): Benign. Review status: criteria provided, multiple submitters, no conflicts (2 of 4 stars). 3 submissions from 3 submitters: Benign (3). Last evaluated 2026-06-01.

Allele frequency attached by ClinVar (database versions not stated): 1000 Genomes Project 0.00140; 1000 Genomes Project 30x 0.00141; TOPMed 0.00580; ESP Exome Variant Server 0.00746.
gnomAD v4.1: 13,362 of 1,613,570 alleles (0.83%); highest among the groups gnomAD compares: Non-Finnish European, 1%; 74 homozygotes.

Submissions (3):

CeGaT Center for Human Genetics Tuebingen
Classification: Benign. Last evaluated: 2026-06-01. Review status: criteria provided, single submitter. Criteria: CeGaT Center For Human Genetics Tuebingen Variant Classification Criteria Version 2. Collection method: clinical testing. Allele origin: germline. Affected: yes. Observed: 11 variant alleles.
Comment: SRRM2: BS1, BS2

Labcorp Genetics (formerly Invitae), Labcorp
Classification: Benign. Last evaluated: 2019-12-31. Review status: criteria provided, single submitter. Criteria: Invitae Variant Classification Sherloc (09022015). Collection method: clinical testing. Allele origin: germline.

Breakthrough Genomics
Classification: Benign. Review status: criteria provided, single submitter. Criteria: ACMG Guidelines, 2015. Collection method: not provided. Allele origin: germline. Inheritance: Unknown mechanism. Affected: yes.

NM_016333.4(SRRM2):c.6098G>C (p.Arg2033Pro)

Gene: SRRM2 (serine/arginine repetitive matrix 2; plus strand). Cytogenetic location: 16p13.3.
Variant type: single nucleotide variant.
Coding change: c.6098G>C on transcript NM_016333.4 (MANE Select); coding-DNA position 6098, G replaced by C.
Protein change: p.Arg2033Pro; replaces arginine 2033 with proline.
Molecular consequence: missense variant.
Genome position (GRCh38, 1-based): chr16:2,766,626, G>C. VCF-style: chr16-2766626-G-C. GRCh37 (hg19) VCF-style: chr16-2816627-G-C.
Other names: short protein forms R2033P.
Identifiers: ClinVar variation 783062 (VCV000783062.12), dbSNP rs117133016, ClinGen allele CA7848709.
Genomic context (GRCh38, chr16:2,766,626, plus strand): 5'-TGACACGCCGCCGCTCTAGGTCCCGGACACCTCCAGCTATTCGGCGCCGCTCTAGATCTC[G>C]AACGCCACTGTTACCACGCAAACGTTCTCGAAGTCGCTCACCACTTGCTATCCGCCGCCG-3'
Protein context (NP_057417.3, residues 2023-2043): PPAIRRRSRS[Arg2033Pro]TPLLPRKRSR